The following is an entry in ClinVar:

NM_000271.5(NPC1):c.3514del (p.Thr1172fs)

Gene: NPC1 (NPC intracellular cholesterol transporter 1; minus strand). Cytogenetic location: 18q11.2.
Variant type: Deletion.
Coding change: c.3514del on transcript NM_000271.5 (MANE Select); coding-DNA position 3514, one base deleted (A; older notation c.3514delA).
Protein change: p.Thr1172fs; shifts the reading frame from threonine 1172.
Molecular consequence: frameshift variant.
Genome position (GRCh38, 1-based): chr18:23,534,523, T deleted on the plus strand (A on the coding strand, the reverse complement: NPC1 is on the minus strand); the first of 2 consecutive T bases (chr18:23,534,523-23,534,524); deleting either gives the same sequence. VCF-style (leftmost placement, unchanged base first): chr18-23534522-GT-G. GRCh37 (hg19) VCF-style: chr18-21114486-GT-G.
Other names: short protein forms T1172fs.
Identifiers: ClinVar variation 4058929 (VCV004058929.2).

ClinVar aggregate classification (germline): Likely pathogenic (1 of 4 stars; one submission).

Conditions:
Niemann-Pick disease, type C1. Also called: NEUROVISCERAL STORAGE DISEASE WITH VERTICAL SUPRANUCLEAR OPHTHALMOPLEGIA; NIEMANN-PICK DISEASE WITH CHOLESTEROL ESTERIFICATION BLOCK; NIEMANN-PICK DISEASE WITHOUT SPHINGOMYELINASE DEFICIENCY; NIEMANN-PICK DISEASE, CHRONIC NEURONOPATHIC FORM; NIEMANN-PICK DISEASE, VARIANT TYPE C1. Identifiers: Orphanet 646, MedGen C3179455, MONDO:0009757, OMIM 257220.

Submission:

Natera, Inc.
Classification: Likely pathogenic for Niemann-Pick disease type C1. Last evaluated: 2025-03-31. Review status: criteria provided, single submitter. Criteria: Natera Variant Classification Schema (03/2026). Collection method: clinical testing. Allele origin: germline.
Comment: The c.3514del variant in NPC1 is a frameshift variant predicted to shift the reading frame beginning at codon 1172 and leads to a stop codon 6 codons downstream. This variant is expected to result in nonsense mediated decay, truncation, or a dysfunctional protein product. This variant is rare in the general population with a frequency below the threshold expected for the associated phenotype(s). Given the available evidence, this variant is classified as Likely Pathogenic.